The following is an entry in ClinVar:

ClinVar aggregate classification (germline): Uncertain significance (1 of 4 stars; one submission).

Conditions:
Exudative vitreoretinopathy 1 (EVR1). Also called: CRISWICK-SCHEPENS SYNDROME; FEVR, AUTOSOMAL DOMINANT; Familial exudative vitreoretinopathy, autosomal dominant. Identifiers: Orphanet 891, Orphanet 90050, MedGen C1851402, MONDO:0007589, OMIM 133780.

Submission:

Centre for Mendelian Genomics, University Medical Centre Ljubljana
Classification: Uncertain significance for Exudative vitreoretinopathy 1. Last evaluated: 2019-08-26. Review status: criteria provided, single submitter. Criteria: ACMG Guidelines, 2015. Collection method: clinical testing. Allele origin: unknown. Affected: yes.
Comment: This variant was classified as: Uncertain significance. The available evidence favors the pathogenic nature of this variant, however the currently available data is insufficient to conclusively support its pathogenic nature. Thus this variant is classified as Uncertain significance - favor pathogenic. The following ACMG criteria were applied in classifying this variant: PM2,PP3.

NM_012193.4(FZD4):c.718A>G (p.Thr240Ala)

Genes: FZD4 (frizzled class receptor 4; minus strand), PRSS23 (serine protease 23; plus strand). Cytogenetic location: 11q14.2.
Variant type: single nucleotide variant.
Coding change: c.718A>G on transcript NM_012193.4 (MANE Select); coding-DNA position 718, A replaced by G.
Protein change: p.Thr240Ala; replaces threonine 240 with alanine.
Molecular consequence: missense variant. On other transcripts: non-coding transcript variant (2).
Genome position (GRCh38, 1-based): chr11:86,952,038, T>C on the plus strand (A>G on the coding strand, the complement: FZD4 is on the minus strand). VCF-style: chr11-86952038-T-C. GRCh37 (hg19) VCF-style: chr11-86663080-T-C.
Other names: short protein forms T240A.
Identifiers: ClinVar variation 930469 (VCV000930469.3), dbSNP rs1949297471, ClinGen allele CA382014725.